The following is an entry in ClinVar:

NM_001277115.2(DNAH11):c.6546+5A>G

Gene: DNAH11 (dynein axonemal heavy chain 11; plus strand). Cytogenetic location: 7p15.3.
Variant type: single nucleotide variant.
Coding change: c.6546+5A>G on transcript NM_001277115.2 (MANE Select); 5 bases into the intron after coding-DNA position 6546, A replaced by G.
Molecular consequence: intron variant.
Genome position (GRCh38, 1-based): chr7:21,705,542, A>G. VCF-style: chr7-21705542-A-G. GRCh37 (hg19) VCF-style: chr7-21745160-A-G.
Identifiers: ClinVar variation 850089 (VCV000850089.7), dbSNP rs761184068, ClinGen allele CA572920093.

ClinVar aggregate classification (germline): Uncertain significance (1 of 4 stars; one submission).

Conditions:
Primary ciliary dyskinesia. Also called: Ciliary dyskinesia. Identifiers: Orphanet 244, MedGen C0008780, MONDO:0016575, HP:0012265.

Allele frequency attached by ClinVar (database versions not stated): TOPMed 0.00001.
gnomAD v4.1: 4 of 1,612,920 alleles (0.00025%); highest among the groups gnomAD compares: Admixed American, 0.0033%; no homozygotes.

Submission:

Labcorp Genetics (formerly Invitae), Labcorp
Classification: Uncertain significance for Primary ciliary dyskinesia. Last evaluated: 2021-08-30. Review status: criteria provided, single submitter. Criteria: Invitae Variant Classification Sherloc (09022015). Collection method: clinical testing. Allele origin: germline.
Comment: This sequence change falls in intron 39 of the DNAH11 gene. It does not directly change the encoded amino acid sequence of the DNAH11 protein. It affects a nucleotide within the consensus splice site of the intron. This variant is not present in population databases (ExAC no frequency). This variant has not been reported in the literature in individuals affected with DNAH11-related conditions. Variants that disrupt the consensus splice site are a relatively common cause of aberrant splicing (PMID: 17576681, 9536098). Algorithms developed to predict the effect of sequence changes on RNA splicing suggest that this variant may create or strengthen a splice site. In summary, the available evidence is currently insufficient to determine the role of this variant in disease. Therefore, it has been classified as a Variant of Uncertain Significance.

Literature cited by the submitters: PubMed 17576681; PubMed 9536098.